The following is an entry in ClinVar:

NM_005247.4(FGF3):c.701T>C (p.Leu234Pro)

Gene: FGF3 (fibroblast growth factor 3; minus strand). Cytogenetic location: 11q13.3.
Variant type: single nucleotide variant.
Coding change: c.701T>C on transcript NM_005247.4 (MANE Select); coding-DNA position 701, T replaced by C.
Protein change: p.Leu234Pro; replaces leucine 234 with proline.
Molecular consequence: missense variant.
Genome position (GRCh38, 1-based): chr11:69,810,324, A>G on the plus strand (T>C on the coding strand, the complement: FGF3 is on the minus strand). VCF-style: chr11-69810324-A-G. GRCh37 (hg19) VCF-style: chr11-69625092-A-G.
Other names: short protein forms L234P.
Identifiers: ClinVar variation 3664149 (VCV003664149.2).
Genomic context (GRCh38, chr11:69,810,324, plus strand): 5'-AAGATGTCGCCAGGAGCTCTGGCGGTGGCCACCAGGCCCAGCTAGTGCGCACTGGCCTCC[A>G]GCTGGGAGCCCAGTCTCGAAGCCTGAACGTGAGAGGGCTCCAGGTTATCCGGGCTCTGCT-3'
Protein context (NP_005238.1, residues 224-239): HVQASRLGSQ[Leu234Pro]EASAH

ClinVar aggregate classification (germline): Uncertain significance (1 of 4 stars; one submission).

gnomAD v4.1: 8 of 1,567,782 alleles (0.00051%); highest among the groups gnomAD compares: Non-Finnish European, 0.00052%; no homozygotes.

Submission:

Labcorp Genetics (formerly Invitae), Labcorp
Classification: Uncertain significance. Last evaluated: 2024-02-17. Review status: criteria provided, single submitter. Criteria: Invitae Variant Classification Sherloc (09022015). Collection method: clinical testing. Allele origin: germline.
Comment: This sequence change replaces leucine, which is neutral and non-polar, with proline, which is neutral and non-polar, at codon 234 of the FGF3 protein (p.Leu234Pro). The frequency data for this variant in the population databases is considered unreliable, as metrics indicate poor data quality at this position in the gnomAD database. This variant has not been reported in the literature in individuals affected with FGF3-related conditions. Algorithms developed to predict the effect of missense changes on protein structure and function output the following: SIFT: "Not Available"; PolyPhen-2: "Benign"; Align-GVGD: "Not Available". The proline amino acid residue is found in multiple mammalian species, which suggests that this missense change does not adversely affect protein function. In summary, the available evidence is currently insufficient to determine the role of this variant in disease. Therefore, it has been classified as a Variant of Uncertain Significance.